The following is an entry in ClinVar:

NM_006343.3(MERTK):c.1881A>G (p.Ser627=)

Gene: MERTK (MER proto-oncogene, tyrosine kinase; plus strand). Cytogenetic location: 2q13.
Variant type: single nucleotide variant.
Coding change: c.1881A>G on transcript NM_006343.3 (MANE Select); coding-DNA position 1881, A replaced by G.
Protein change: p.Ser627=; no amino-acid change (serine 627 retained).
Molecular consequence: synonymous variant.
Genome position (GRCh38, 1-based): chr2:112,008,396, A>G. VCF-style: chr2-112008396-A-G. GRCh37 (hg19) VCF-style: chr2-112765973-A-G.
Identifiers: ClinVar variation 330762 (VCV000330762.18), dbSNP rs1131244, ClinGen allele CA1831584.

ClinVar aggregate classification (germline): Benign. Review status: criteria provided, multiple submitters, no conflicts (2 of 4 stars). 6 submissions from 6 submitters: Benign (6). Last evaluated 2026-02-03.

Conditions:
Retinal dystrophy. Also called: Inherited retinal dystrophy. Identifiers: Orphanet 71862, MedGen C0854723, MeSH D058499, MONDO:0019118, HP:0000556.
Retinitis pigmentosa (RP). Identifiers: Orphanet 791, MedGen C0035334, MeSH D012174, MONDO:0019200, OMIM 268000. Inheritance: Autosomal dominant, autosomal recessive and X linked inheritance.
Retinitis pigmentosa 38 (RP38). Also called: ROD-CONE DYSTROPHY, CHILDHOOD-ONSET. Identifiers: Orphanet 791, MedGen C3151228, MONDO:0013469, OMIM 613862.

Allele frequency attached by ClinVar (database versions not stated): TOPMed 0.56382; gnomAD 0.57582 and 0.57808; ExAC 0.58245; gnomAD exomes 0.58528; ESP Exome Variant Server 0.58781; 1000 Genomes Project 0.51518; 1000 Genomes Project 30x 0.51546.
gnomAD v4.1: 972,042 of 1,611,140 alleles (60%); highest among the groups gnomAD compares: Admixed American, 62%; 297,752 homozygotes.

Submissions (6):

Labcorp Genetics (formerly Invitae), Labcorp
Classification: Benign. Last evaluated: 2026-02-03. Review status: criteria provided, single submitter. Criteria: Invitae Variant Classification Sherloc (09022015). Collection method: clinical testing. Allele origin: germline.

Blueprint Genetics
Classification: Benign. Last evaluated: 2024-11-26. Review status: criteria provided, single submitter. Criteria: ACMG Guidelines, 2015. Collection method: clinical testing. Allele origin: germline.

Dept Of Ophthalmology, Nagoya University
Classification: Benign for Retinal dystrophy. Last evaluated: 2023-10-01. Review status: criteria provided, single submitter. Criteria: Submitter's publication. Collection method: research. Allele origin: germline. Affected: yes.

Genome-Nilou Lab
Classification: Benign for Retinitis pigmentosa 38. Last evaluated: 2021-09-05. Review status: criteria provided, single submitter. Criteria: ACMG Guidelines, 2015. Collection method: clinical testing. Allele origin: germline. Affected: no.

Illumina Laboratory Services, Illumina
Classification: Benign for Retinitis pigmentosa. Last evaluated: 2018-01-12. Review status: criteria provided, single submitter. Criteria: ICSL Variant Classification Criteria 13 December 2019. Collection method: clinical testing. Allele origin: germline.
Comment: This variant was observed in the ICSL laboratory as part of a predisposition screen in an ostensibly healthy population. It had not been previously curated by ICSL or reported in the Human Gene Mutation Database (HGMD: prior to June 1st, 2018), and was therefore a candidate for classification through an automated scoring system. Utilizing variant allele frequency, disease prevalence and penetrance estimates, and inheritance mode, an automated score was calculated to assess if this variant is too frequent to cause the disease. Based on the score and internal cut-off values, a variant classified as benign is not then subjected to further curation. The score for this variant resulted in a classification of benign for this disease.

Breakthrough Genomics
Classification: Benign. Review status: criteria provided, single submitter. Criteria: ACMG Guidelines, 2015. Collection method: not provided. Allele origin: germline. Inheritance: Autosomal recessive inheritance. Affected: yes.